The following is an entry in ClinVar:

NM_007294.4(BRCA1):c.3379T>C (p.Tyr1127His)

Genes: BRCA1 (BRCA1 DNA repair associated; minus strand), LOC126862571 (BRD4-independent group 4 enhancer GRCh37_chr17:41243136-41244335; plus strand). Cytogenetic location: 17q21.31.
Variant type: single nucleotide variant.
Coding change: c.3379T>C on transcript NM_007294.4 (MANE Select); coding-DNA position 3379, T replaced by C.
Protein change: p.Tyr1127His; replaces tyrosine 1127 with histidine.
Molecular consequence: missense variant. On other transcripts: intron variant (137).
Genome position (GRCh38, 1-based): chr17:43,092,152, A>G on the plus strand (T>C on the coding strand, the complement: BRCA1 is on the minus strand). VCF-style: chr17-43092152-A-G. GRCh37 (hg19) VCF-style: chr17-41244169-A-G.
Other names: c.3376T>C, p.Tyr1126His (NM_001407632.1, NM_001407633.1, NM_001407634.1 and 22 more transcripts); c.578-1120T>C (NM_001408482.1, NM_001408478.1, NM_001408484.1 and 9 more transcripts); c.521-1120T>C (NM_001408504.1, NM_001408503.1, NM_001408505.1); c.3112T>C, p.Tyr1038His (NM_001407932.1, NM_001407934.1, NM_001407936.1 and 2 more transcripts); c.3115T>C, p.Tyr1039His (NM_001407933.1, NM_001407935.1, NM_001407920.1 and 9 more transcripts); c.707-1120T>C (NM_001408416.1, NM_001408413.1); c.3256T>C, p.Tyr1086His (NM_001407937.1, NM_001407648.1, NM_001407664.1 and 19 more transcripts); c.644-1120T>C (NM_001408463.1, NM_001408465.1, NM_001408462.1 and 3 more transcripts); and 41 more; short protein forms Y1127H, Y1080H, Y1039H, Y1057H, Y1079H, Y1086H, Y1124H, Y1126H.
Identifiers: ClinVar variation 479249 (VCV000479249.26), dbSNP rs1451089848, ClinGen allele CA10595220.

ClinVar aggregate classification (germline): Conflicting classifications of pathogenicity. Review status: criteria provided, conflicting classifications (1 of 4 stars). 6 submissions from 6 submitters: Uncertain significance (5); Likely benign (1). Last evaluated 2025-11-16.

Conditions:
Hereditary breast ovarian cancer syndrome. Also called: Hereditary breast and ovarian cancer syndrome (HBOC); Hereditary breast and ovarian cancer syndrome; Breast and ovarian cancer; BRCA1- and BRCA2-Associated Hereditary Breast and Ovarian Cancer; Hereditary breast and ovarian cancer; Hereditary breast and/or ovarian cancer syndrome. Identifiers: Orphanet 145, MedGen C0677776, MeSH D061325, MONDO:0003582. Disease mechanism: loss of function.
Hereditary cancer-predisposing syndrome. Also called: Neoplastic Syndromes, Hereditary; Hereditary Cancer Syndrome; Hereditary neoplastic syndrome; Tumor predisposition. Identifiers: Orphanet 140162, MedGen C0027672, MeSH D009386, MONDO:0015356.

Allele frequency attached by ClinVar (database versions not stated): gnomAD exomes below 0.00001 and 0.00005; TOPMed below 0.00001.
gnomAD v4.1: 71 of 1,613,596 alleles (0.0044%); highest among the groups gnomAD compares: Non-Finnish European, 0.006%; no homozygotes.

Submissions (6):

Labcorp Genetics (formerly Invitae), Labcorp
Classification: Uncertain significance for Hereditary breast ovarian cancer syndrome. Last evaluated: 2025-11-16. Review status: criteria provided, single submitter. Criteria: Invitae Variant Classification Sherloc (09022015). Collection method: clinical testing. Allele origin: germline.
Comment: This sequence change replaces tyrosine, which is neutral and polar, with histidine, which is basic and polar, at codon 1127 of the BRCA1 protein (p.Tyr1127His). This variant is present in population databases (no rsID available, gnomAD 0.0009%). This missense change has been observed in individual(s) with breast cancer (PMID: 33113089). ClinVar contains an entry for this variant (Variation ID: 479249). Invitae Evidence Modeling of protein sequence and biophysical properties (such as structural, functional, and spatial information, amino acid conservation, physicochemical variation, residue mobility, and thermodynamic stability) indicates that this missense variant is not expected to disrupt BRCA1 protein function with a negative predictive value of 80%. In summary, the available evidence is currently insufficient to determine the role of this variant in disease. Therefore, it has been classified as a Variant of Uncertain Significance.

Ambry Genetics
Classification: Uncertain significance for Hereditary cancer-predisposing syndrome. Last evaluated: 2025-03-28. Review status: criteria provided, single submitter. Criteria: Ambry Variant Classification Scheme 2023. Collection method: clinical testing. Allele origin: germline.
Comment: The p.Y1127H variant (also known as c.3379T>C), located in coding exon 9 of the BRCA1 gene, results from a T to C substitution at nucleotide position 3379. The tyrosine at codon 1127 is replaced by histidine, an amino acid with similar properties. This amino acid position is poorly conserved in available vertebrate species. In addition, this alteration is predicted to be tolerated by in silico analysis. Based on the available evidence, the clinical significance of this variant remains unclear.

GeneDx
Classification: Uncertain significance. Last evaluated: 2023-05-25. Review status: criteria provided, single submitter. Criteria: GeneDx Variant Classification Process June 2021. Collection method: clinical testing. Allele origin: germline. Affected: yes.
Comment: Observed in at least one individual with breast cancer in published literature (Lattimore et al., 2021); In silico analysis supports that this missense variant does not alter protein structure/function; Not observed at significant frequency in large population cohorts (gnomAD); Also known as 3498T>C; This variant is associated with the following publications: (PMID: 32377563, 33113089)

University of Washington Department of Laboratory Medicine, University of Washington
Classification: Likely benign for Hereditary cancer-predisposing syndrome. Last evaluated: 2023-03-23. Review status: criteria provided, single submitter. Criteria: Dines et al. (Genet Med. 2020). Collection method: curation. Allele origin: germline.
Comment: Missense variant in a coldspot region where missense variants are very unlikely to be pathogenic (PMID:31911673).

BRCA1 coldspot (exon 11 using historical exon numbering). Reclassification based on statistical prior probability

Women's Health and Genetics/Laboratory Corporation of America, LabCorp
Classification: Uncertain significance. Last evaluated: 2022-04-18. Review status: criteria provided, single submitter. Criteria: LabCorp Variant Classification Summary - May 2015. Collection method: clinical testing. Allele origin: germline.
Comment: Variant summary: BRCA1 c.3379T>C (p.Tyr1127His) results in a conservative amino acid change in the encoded protein sequence. Five of five in-silico tools predict a benign effect of the variant on protein function. The variant allele was found at a frequency of 4e-06 in 250518 control chromosomes. The available data on variant occurrences in the general population are insufficient to allow any conclusion about variant significance. c.3379T>C has been reported in the literature in individual(s) affected with breast cancer (Lattimore_2021). These report(s) do not provide unequivocal conclusions about association of the variant with Hereditary Breast and Ovarian Cancer Syndrome. To our knowledge, no experimental evidence demonstrating an impact on protein function has been reported. Four clinical diagnostic laboratories have submitted clinical-significance assessments for this variant to ClinVar after 2014, and all classified the variant as uncertain significance. Based on the evidence outlined above, the variant was classified as uncertain significance.

Color Diagnostics, LLC DBA Color Health
Classification: Uncertain significance for Hereditary cancer-predisposing syndrome. Last evaluated: 2021-01-26. Review status: criteria provided, single submitter. Criteria: ACMG Guidelines, 2015. Collection method: clinical testing. Allele origin: germline.
Comment: This missense variant replaces tyrosine with histidine at codon 1127 of the BRCA1 protein. Computational prediction suggests that this variant may not impact protein structure and function (internally defined REVEL score threshold <= 0.5, PMID: 27666373). To our knowledge, functional studies have not been reported for this variant. This variant has not been reported in individuals affected with hereditary cancer in the literature. This variant has been identified in 1/250518 chromosomes in the general population by the Genome Aggregation Database (gnomAD). The available evidence is insufficient to determine the role of this variant in disease conclusively. Therefore, this variant is classified as a Variant of Uncertain Significance.

Literature cited by the submitters: PubMed 33113089 (cited by Labcorp Genetics (formerly Invitae), Labcorp and Women's Health and Genetics/Laboratory Corporation of America, LabCorp).